The following is an entry in ClinVar:

NM_025225.3(PNPLA3):c.992A>G (p.Glu331Gly)

Gene: PNPLA3 (patatin like domain 3, 1-acylglycerol-3-phosphate O-acyltransferase; plus strand). Cytogenetic location: 22q13.31.
Variant type: single nucleotide variant.
Coding change: c.992A>G on transcript NM_025225.3 (MANE Select); coding-DNA position 992, A replaced by G.
Protein change: p.Glu331Gly; replaces glutamic acid 331 with glycine.
Molecular consequence: missense variant.
Genome position (GRCh38, 1-based): chr22:43,940,005, A>G. VCF-style: chr22-43940005-A-G. GRCh37 (hg19) VCF-style: chr22-44335885-A-G.
Other names: short protein forms E331G.
Identifiers: ClinVar variation 341940 (VCV000341940.6), dbSNP rs144233415, ClinGen allele CA10278144.
Genomic context (GRCh38, chr22:43,940,005, plus strand): 5'-GGTTTTTCACAGTGGTGGGAGATAATAGCTCCAAATTGTCTTTTTCAGCACTGAGTGAAG[A>G]AATGAAAGACAAAGGTGGATACATGAGCAAGATTTGCAACTTGCTACCCATTAGGATAAT-3'
Protein context (NP_079501.2, residues 321-341): SPRLATALSE[Glu331Gly]MKDKGGYMSK

ClinVar aggregate classification (germline): Likely benign. Review status: criteria provided, multiple submitters, no conflicts (2 of 4 stars). 2 submissions from 2 submitters: Likely benign (2). Last evaluated 2017-04-27.

Conditions:
NAFLD1 (FLD1). Also called: FATTY LIVER DISEASE, SUSCEPTIBILITY TO, 1; Fatty liver disease, nonalcoholic 1. Identifiers: MedGen C2750440, MONDO:0021105, OMIM 613282.

Allele frequency attached by ClinVar (database versions not stated): 1000 Genomes Project 30x 0.00234; 1000 Genomes Project 0.00240; ExAC 0.00489; TOPMed 0.00528; gnomAD exomes 0.00533 and 0.00859; gnomAD 0.00579 and 0.00593; ESP Exome Variant Server 0.00661.
gnomAD v4.1: 13,275 of 1,614,180 alleles (0.82%); highest among the groups gnomAD compares: Non-Finnish European, 1%; 81 homozygotes.

Submissions (2):

Illumina Laboratory Services, Illumina
Classification: Likely benign for NAFLD1. Last evaluated: 2017-04-27. Review status: criteria provided, single submitter. Criteria: ICSL Variant Classification Criteria 13 December 2019. Collection method: clinical testing. Allele origin: germline.
Comment: This variant was observed as part of a predisposition screen in an ostensibly healthy population. A literature search was performed for the gene, cDNA change, and amino acid change (where applicable). No publications were found based on this search. Allele frequency data from public databases allowed determination this variant is unlikely to cause disease. Therefore, this variant is classified as likely benign.

Breakthrough Genomics
Classification: Likely benign. Review status: criteria provided, single submitter. Criteria: ACMG Guidelines, 2015. Collection method: not provided. Allele origin: germline. Inheritance: Unknown mechanism. Affected: yes.